The following is an entry in ClinVar:

NM_000219.6(KCNE1):c.125T>A (p.Leu42Gln)

Gene: KCNE1 (potassium voltage-gated channel subfamily E regulatory subunit 1; minus strand). Cytogenetic location: 21q22.12.
Variant type: single nucleotide variant.
Coding change: c.125T>A on transcript NM_000219.6 (MANE Select); coding-DNA position 125, T replaced by A.
Protein change: p.Leu42Gln; replaces leucine 42 with glutamine.
Molecular consequence: missense variant.
Genome position (GRCh38, 1-based): chr21:34,449,510, A>T on the plus strand (T>A on the coding strand, the complement: KCNE1 is on the minus strand). VCF-style: chr21-34449510-A-T. GRCh37 (hg19) VCF-style: chr21-35821808-A-T.
Other names: c.125T>A, p.Leu42Gln (NM_001127668.4, NM_001127669.4, NM_001127670.4 and 4 more transcripts); short protein forms L42Q.
Identifiers: ClinVar variation 3374109 (VCV003374109.2).

Conditions:
Long QT syndrome 5 (LQT5). Identifiers: Orphanet 101016, Orphanet 768, MedGen C1867904, MONDO:0013372, OMIM 613695.

Submission:

Roden Lab, Vanderbilt University Medical Center
No classification provided (evidence only). Condition: Long QT syndrome 5. Review status: no classification provided. Collection method: in vitro. Allele origin: not applicable. Functional consequence: Effect on ion channel function.
ClinVar note: "not provided" was previously submitted as the classification for the variant. However, the classification appeared to be based only on an observation of functional data so it was converted to no classification on 2025-07-30.